The following is an entry in ClinVar:

ClinVar aggregate classification (germline): Likely benign (0 of 4 stars; one submission).

Conditions:
GNAS-related disorder. Identifiers: MedGen CN380105.

gnomAD v4.1: 1 of 1,609,642 alleles (0.000062%); highest among the groups gnomAD compares: Non-Finnish European, 0.000085%; no homozygotes.

Submission:

PreventionGenetics, part of Exact Sciences
Classification: Likely benign for GNAS-related condition. Last evaluated: 2021-11-12. Review status: no assertion criteria provided. Collection method: clinical testing. Allele origin: germline.
Comment: This variant is classified as likely benign based on ACMG/AMP sequence variant interpretation guidelines (Richards et al. 2015 PMID: 25741868, with internal and published modifications).

NM_016592.5(GNAS):c.6T>C (p.Asp2=)

Genes: GNAS (GNAS complex locus; plus strand), GNAS-AS1 (GNAS antisense RNA 1; minus strand). Cytogenetic location: 20q13.32.
Variant type: single nucleotide variant.
Coding change: c.6T>C on transcript NM_016592.5 (MANE Plus Clinical); coding-DNA position 6, T replaced by C.
Protein change: p.Asp2=; no amino-acid change (aspartic acid 2 retained).
Molecular consequence: synonymous variant. On other transcripts: 5 prime UTR variant (1).
Genome position (GRCh38, 1-based): chr20:58,840,112, T>C. VCF-style: chr20-58840112-T-C. GRCh37 (hg19) VCF-style: chr20-57415167-T-C.
Other names: c.-732T>C (NM_001410912.1).
Identifiers: ClinVar variation 3355872 (VCV003355872.1).